The following is an entry in ClinVar:

NM_012247.5(SEPHS1):c.10_27dup (p.Pro9_Glu10insArgGluSerPheAsnPro)

Gene: SEPHS1 (selenophosphate synthetase 1; minus strand). Cytogenetic location: 10p13.
Variant type: Duplication.
Coding change: c.10_27dup on transcript NM_012247.5 (MANE Select); coding-DNA positions 10 to 27, 18 bases duplicated (CGGGAGTCCTTTAACCCG).
Protein change: p.Pro9_Glu10insArgGluSerPheAsnPro.
Molecular consequence: inframe insertion. On other transcripts: non-coding transcript variant (1), intron variant (1).
Genome position (GRCh38, 1-based): chr10:13,344,924-13,344,941, CGGGTTAAAGGACTCCCG duplicated on the plus strand (CGGGAGTCCTTTAACCCG on the coding strand, the reverse complement: SEPHS1 is on the minus strand); duplicating any 18 consecutive bases within chr10:13,344,924-13,344,943 gives the same sequence; the c. name uses the placement nearest the transcript's 3' end. VCF-style (leftmost placement, unchanged base first): chr10-13344923-C-CCGGGTTAAAGGACTCCCG. GRCh37 (hg19) VCF-style: chr10-13386923-C-CCGGGTTAAAGGACTCCCG.
Other names: c.10_27dup, p.Pro9_Glu10insArgGluSerPheAsnPro (NM_001375769.1, NM_001195604.2); c.-9+3059_-9+3076dup (NM_001195602.2).
Identifiers: ClinVar variation 5017071 (VCV005017071.1).

ClinVar aggregate classification (germline): Uncertain significance (1 of 4 stars; one submission).

Submission:

GeneDx
Classification: Uncertain significance. Last evaluated: 2026-03-24. Review status: criteria provided, single submitter. Criteria: GeneDx Variant Classification Process June 2021. Collection method: clinical testing. Allele origin: germline.
Comment: Not observed at significant frequency in large population cohorts (gnomAD); In-frame duplication of 6 amino acid(s) in a non-repeat region; Has not been previously published as pathogenic or benign to our knowledge.